The following is an entry in ClinVar:

NM_000088.4(COL1A1):c.1477C>T (p.Arg493Cys)

Gene: COL1A1 (collagen type I alpha 1 chain; minus strand). Cytogenetic location: 17q21.33.
Variant type: single nucleotide variant.
Coding change: c.1477C>T on transcript NM_000088.4 (MANE Select); coding-DNA position 1477, C replaced by T.
Protein change: p.Arg493Cys; replaces arginine 493 with cysteine.
Molecular consequence: missense variant.
Genome position (GRCh38, 1-based): chr17:50,194,611, G>A on the plus strand (C>T on the coding strand, the complement: COL1A1 is on the minus strand). VCF-style: chr17-50194611-G-A. GRCh37 (hg19) VCF-style: chr17-48271972-G-A.
Other names: short protein forms R493C.
Identifiers: ClinVar variation 4745684 (VCV004745684.1).

ClinVar aggregate classification (germline): Uncertain significance (1 of 4 stars; one submission).

Conditions:
Osteogenesis imperfecta type I (OI1). Also called: Lobstein's Disease; Lobstein disease; Classic Non-deforming Osteogenesis Imperfecta with Blue Sclerae; OI, TYPE I; OSTEOGENESIS IMPERFECTA TARDA; OSTEOGENESIS IMPERFECTA WITH BLUE SCLERAE. Identifiers: Orphanet 216796, Orphanet 666, MedGen C0023931, MONDO:0008146, OMIM 166200. Disease mechanism: loss of function.

gnomAD v4.1: 5 of 1,568,136 alleles (0.00032%); highest among the groups gnomAD compares: Non-Finnish European, 0.00026%; no homozygotes.

Submission:

Labcorp Genetics (formerly Invitae), Labcorp
Classification: Uncertain significance for Osteogenesis imperfecta type I. Last evaluated: 2025-07-29. Review status: criteria provided, single submitter. Criteria: Invitae Variant Classification Sherloc (09022015). Collection method: clinical testing. Allele origin: germline.
Comment: This sequence change replaces arginine, which is basic and polar, with cysteine, which is neutral and slightly polar, at codon 493 of the COL1A1 protein (p.Arg493Cys). This variant is not present in population databases (gnomAD no frequency). This variant has not been reported in the literature in individuals affected with COL1A1-related conditions. Invitae Evidence Modeling of protein sequence and biophysical properties (such as structural, functional, and spatial information, amino acid conservation, physicochemical variation, residue mobility, and thermodynamic stability) indicates that this missense variant is expected to disrupt COL1A1 protein function with a positive predictive value of 95%. In summary, the available evidence is currently insufficient to determine the role of this variant in disease. Therefore, it has been classified as a Variant of Uncertain Significance.